The following is an entry in ClinVar:

NM_024649.5(BBS1):c.595_598del (p.Val199fs)

Gene: BBS1 (Bardet-Biedl syndrome 1; plus strand). Cytogenetic location: 11q13.2.
Variant type: Deletion.
Coding change: c.595_598del on transcript NM_024649.5 (MANE Select); coding-DNA positions 595 to 598, 4 bases deleted (GTCA; older notation c.595_598delGTCA).
Protein change: p.Val199fs; shifts the reading frame from valine 199.
Molecular consequence: frameshift variant.
Genome position (GRCh38, 1-based): chr11:66,519,620-66,519,623, GTCA deleted; deleting any 4 consecutive bases within chr11:66,519,618-66,519,623 gives the same sequence; the c. name uses the placement nearest the transcript's 3' end. VCF-style (leftmost placement, unchanged base first): chr11-66519617-ACAGT-A. GRCh37 (hg19) VCF-style: chr11-66287088-ACAGT-A.
Other names: short protein forms V199fs.
Identifiers: ClinVar variation 531836 (VCV000531836.2), dbSNP rs1555047409, ClinGen allele CA658797686.

ClinVar aggregate classification (germline): Pathogenic/Likely pathogenic. Review status: criteria provided, multiple submitters, no conflicts (2 of 4 stars). 2 submissions from 2 submitters: Pathogenic (1); Likely pathogenic (1). Last evaluated 2024-04-11.

Conditions:
Bardet-Biedl syndrome (BBS). Identifiers: Orphanet 110, MedGen C0752166, MONDO:0015229.
Bardet-Biedl syndrome 1 (BBS1). Identifiers: MedGen C2936862, MONDO:0008854, OMIM 209900. Disease mechanism: loss of function.

Submissions (2):

Fulgent Genetics
Classification: Likely pathogenic for Bardet-Biedl syndrome 1. Last evaluated: 2024-04-11. Review status: criteria provided, single submitter. Criteria: ACMG Guidelines, 2015. Collection method: clinical testing. Allele origin: germline.

Labcorp Genetics (formerly Invitae), Labcorp
Classification: Pathogenic for Bardet-Biedl syndrome. Last evaluated: 2017-09-05. Review status: criteria provided, single submitter. Criteria: Invitae Variant Classification Sherloc (09022015). Collection method: clinical testing. Allele origin: germline.
Comment: This sequence change creates a premature translational stop signal (p.Val199Serfs*4) in the BBS1 gene. It is expected to result in an absent or disrupted protein product. This variant is not present in population databases (ExAC no frequency). This variant has not been reported in the literature in individuals with BBS1-related disease. Loss-of-function variants in BBS1 are known to be pathogenic (PMID: 12118255). For these reasons, this variant has been classified as Pathogenic.